The following is an entry in ClinVar:

ClinVar aggregate classification (germline): Uncertain significance. Review status: criteria provided, single submitter (1 of 4 stars). 2 submissions from 2 submitters: Uncertain significance (1). 1 of the submissions does not count toward it. Last evaluated 2024-07-02.

Conditions:
Polycystic kidney disease. Also called: Kidney, Polycystic; Polycystic kidney dysplasia. Identifiers: MedGen C0022680, MeSH D007690, MONDO:0020642, HP:0000113.

Submissions (2):

Blueprint Genetics
Classification: Uncertain significance. Last evaluated: 2024-07-02. Review status: criteria provided, single submitter. Criteria: ACMG Guidelines, 2015. Collection method: clinical testing. Allele origin: germline.

Department of Pathology and Laboratory Medicine, Sinai Health System
Classification: Uncertain significance for Polycystic Kidney disease. Review status: no assertion criteria provided. Collection method: clinical testing. Allele origin: unknown. Affected: yes. Study: The Canadian Open Genetics Repository (COGR). Not counted in ClinVar's aggregate classification.
Comment: The PKD1 p.Gly3804Arg variant was not identified in the literature nor was it identified in the dbSNP, ClinVar, LOVD 3.0, ADPKD Mutation Database, or PKD1-LOVD databases. The variant was not identified in the following control databases: the Exome Aggregation Consortium (August 8th 2016) or the Genome Aggregation Database (Feb 27, 2017). The p.Gly3804 residue is conserved across mammals and other organisms, and 5 of 5 computational analyses (PolyPhen-2, SIFT, AlignGVGD, BLOSUM, MutationTaster) suggest that the variant may impact the protein; however, this information is not predictive enough to assume pathogenicity. The p.Gly3804Arg variant occurs in the last three bases of the exon. This position has been shown to be part of the splicing consensus sequence and variants involving this position sometimes affect splicing. In addition, 3 of 4 in silico or computational prediction software programs (SpliceSiteFinder, MaxEntScan, NNSPLICE, GeneSplicer) predict a greater than 10% difference in splicing. In summary, based on the above information, the clinical significance of this variant cannot be determined with certainty at this time. This variant is classified as a variant of uncertain significance.

NM_001009944.3(PKD1):c.11410G>A (p.Gly3804Arg)

Genes: PKD1 (polycystin 1, transient receptor potential channel interacting; minus strand), PKD1-AS1 (PKD1 antisense RNA 1; plus strand). Cytogenetic location: 16p13.3.
Variant type: single nucleotide variant.
Coding change: c.11410G>A on transcript NM_001009944.3 (MANE Select); coding-DNA position 11410, G replaced by A.
Protein change: p.Gly3804Arg; replaces glycine 3804 with arginine.
Molecular consequence: missense variant.
Genome position (GRCh38, 1-based): chr16:2,092,048, C>T on the plus strand (G>A on the coding strand, the complement: PKD1 is on the minus strand). VCF-style: chr16-2092048-C-T. GRCh37 (hg19) VCF-style: chr16-2142049-C-T.
Other names: c.11407G>A, p.Gly3803Arg (NM_000296.4); short protein forms G3803R, G3804R.
Identifiers: ClinVar variation 997141 (VCV000997141.2), dbSNP rs2091612949, ClinGen allele CA394333762.
Genomic context (GRCh38, chr16:2,092,048, plus strand): 5'-TCCTGGAGAACTACTCCCTTGTCCTTGGCGTAGACGCCCGGGGCCCTCGCTCTGCTCACC[C>T]CAGCAGATCCGGCGCTGAATAGGCCCACGTCCCCGAGCCATTGTGAGGACTCTCCCAGCC-3'
Protein context (NP_001009944.3, residues 3794-3814): TWAYSAPDLL[Gly3804Arg]AWSWGSCAVY